The following is an entry in ClinVar:

ClinVar aggregate classification (germline): Benign/Likely benign. Review status: criteria provided, multiple submitters, no conflicts (2 of 4 stars). 3 submissions from 3 submitters: Benign (2); Likely benign (1). Last evaluated 2026-01-06.

Conditions:
KIF23-related disorder. Also called: KIF23-related condition.

Allele frequency attached by ClinVar (database versions not stated): ESP Exome Variant Server 0.00015; TOPMed 0.00019; gnomAD 0.00092; gnomAD exomes 0.00140; ExAC 0.00353; 1000 Genomes Project 0.00419; 1000 Genomes Project 30x 0.00453.
gnomAD v4.1: 2,198 of 1,614,098 alleles (0.14%); highest among the groups gnomAD compares: South Asian, 2.3%; 37 homozygotes.

Submissions (3):

Labcorp Genetics (formerly Invitae), Labcorp
Classification: Benign. Last evaluated: 2026-01-06. Review status: criteria provided, single submitter. Criteria: Invitae Variant Classification Sherloc (09022015). Collection method: clinical testing. Allele origin: germline.

Mayo Clinic Laboratories, Mayo Clinic
Classification: Benign. Last evaluated: 2025-06-10. Review status: criteria provided, single submitter. Criteria: ACMG Guidelines, 2015. Collection method: clinical testing. Allele origin: germline. Observed: 1 variant allele.
Comment: BS1, BS2, BP7

PreventionGenetics, part of Exact Sciences
Classification: Likely benign for KIF23-related condition. Last evaluated: 2025-06-01. Review status: criteria provided, single submitter. Criteria: ACMG Guidelines, 2015. Collection method: clinical testing. Allele origin: germline.
Comment: This variant is classified as likely benign based on ACMG/AMP sequence variant interpretation guidelines (Richards et al. 2015 PMID: 25741868, with internal and published modifications).

NM_001367805.3(KIF23):c.2898C>T (p.His966=)

Gene: KIF23 (kinesin family member 23; plus strand). Cytogenetic location: 15q23.
Variant type: single nucleotide variant.
Coding change: c.2898C>T on transcript NM_001367805.3 (MANE Select); coding-DNA position 2898, C replaced by T.
Protein change: p.His966=; no amino-acid change (histidine 966 retained).
Molecular consequence: synonymous variant. On other transcripts: 3 prime UTR variant (1), non-coding transcript variant (2).
Genome position (GRCh38, 1-based): chr15:69,446,930, C>T. VCF-style: chr15-69446930-C-T. GRCh37 (hg19) VCF-style: chr15-69739269-C-T.
Other names: p.His952=; c.2856C>T (NM_138555.3); c.2274C>T, p.His758= (NM_001281301.2); c.*38C>T (NM_001367804.2); c.2544C>T, p.His848= (NM_004856.7); c.2856C>T, p.His952= (NM_138555.4).
Identifiers: ClinVar variation 2056146 (VCV002056146.6), dbSNP rs146343326, ClinGen allele CA7635503.
Genomic context (GRCh38, chr15:69,446,930, plus strand): 5'-GTGTTCTGTGGCTGTGGAGATGAGAGCAGGATCCCAGCTGGGACCTGGATATCAGCATCA[C>T]GCACAACCCAAGTGAGTACTGACTGTAATTGGGGTCTTGCTGTGTGCTTTTTTCCTCCTC-3'
Protein context (NP_001354734.1, residues 956-974): GSQLGPGYQH[His966=]AQPKRKKP